The following is an entry in ClinVar:

ClinVar aggregate classification (germline): Conflicting classifications of pathogenicity. Review status: criteria provided, conflicting classifications (1 of 4 stars). 7 submissions from 7 submitters: Uncertain significance (1); Likely benign (6). Last evaluated 2025-12-17.

Conditions:
Cardiovascular phenotype. Identifiers: MedGen CN230736.
Cardiac arrhythmia. Also called: Arrhythmia; Cardiac rhythm disease. Identifiers: MedGen C0003811, MONDO:0007263, HP:0011675.
Long QT syndrome (LQTS). Identifiers: MedGen C0023976, MeSH D008133, MONDO:0002442. Disease mechanism: loss of function. Inheritance: Various modes of inheritance.

Allele frequency attached by ClinVar (database versions not stated): ESP Exome Variant Server 0.00008; TOPMed 0.00012; 1000 Genomes Project 30x 0.00016; 1000 Genomes Project 0.00020.
gnomAD v4.1: 27 of 1,613,812 alleles (0.0017%); highest among the groups gnomAD compares: African/African-American, 0.032%; no homozygotes.

Submissions (7):

Labcorp Genetics (formerly Invitae), Labcorp
Classification: Likely benign for Long QT syndrome. Last evaluated: 2025-12-17. Review status: criteria provided, single submitter. Criteria: Invitae Variant Classification Sherloc (09022015). Collection method: clinical testing. Allele origin: germline.

ARUP Laboratories, Molecular Genetics and Genomics, ARUP Laboratories
Classification: Likely benign. Last evaluated: 2024-10-25. Review status: criteria provided, single submitter. Criteria: ARUP Molecular Germline Variant Investigation Process 2024. Collection method: clinical testing. Allele origin: germline.

All of Us Research Program, National Institutes of Health
Classification: Likely benign for Long QT syndrome. Last evaluated: 2023-10-23. Review status: criteria provided, single submitter. Criteria: ACMG Guidelines, 2015. Collection method: clinical testing. Allele origin: germline. Inheritance: Autosomal dominant inheritance. Observed: 8 variant alleles, 8 heterozygotes.
Comment: This study involves interpretation of variants in research participants for the purpose of population health screening. Participant phenotype was not available at the time of variant classification. Additional details can be found in publication PMID: 35346344, PMCID: PMC8962531

Ambry Genetics
Classification: Likely benign for Cardiovascular phenotype. Last evaluated: 2023-02-12. Review status: criteria provided, single submitter. Criteria: Ambry Variant Classification Scheme 2023. Collection method: clinical testing. Allele origin: germline.

GeneDx
Classification: Likely benign. Last evaluated: 2021-05-18. Review status: criteria provided, single submitter. Criteria: GeneDx Variant Classification Process June 2021. Collection method: clinical testing. Allele origin: germline. Affected: yes.

Color Diagnostics, LLC DBA Color Health
Classification: Likely benign for Cardiac arrhythmia. Last evaluated: 2021-04-20. Review status: criteria provided, single submitter. Criteria: ACMG Guidelines, 2015. Collection method: clinical testing. Allele origin: germline.

Eurofins Ntd Llc (ga)
Classification: Uncertain significance. Last evaluated: 2016-08-01. Review status: criteria provided, single submitter. Criteria: EGL Classification Definitions 2015. Collection method: clinical testing. Allele origin: germline. Observed: 1 variant allele, 1 heterozygote.

NM_000218.3(KCNQ1):c.879C>A (p.Arg293=)

Gene: KCNQ1 (potassium voltage-gated channel subfamily Q member 1; plus strand). Cytogenetic location: 11p15.5.
Variant type: single nucleotide variant.
Coding change: c.879C>A on transcript NM_000218.3 (MANE Select); coding-DNA position 879, C replaced by A.
Protein change: p.Arg293=; no amino-acid change (arginine 293 retained).
Molecular consequence: synonymous variant. On other transcripts: intron variant (1).
Genome position (GRCh38, 1-based): chr11:2,572,944, C>A. VCF-style: chr11-2572944-C-A. GRCh37 (hg19) VCF-style: chr11-2594174-C-A.
Other names: c.879C>A, p.Arg293= (NM_001406836.1); c.609C>A, p.Arg203= (NM_001406837.1); c.498C>A, p.Arg166= (NM_181798.2); c.478-10491C>A (NM_001406838.1).
Identifiers: ClinVar variation 289708 (VCV000289708.22), dbSNP rs181106858, ClinGen allele CA041155.